The following is an entry in ClinVar:

ClinVar aggregate classification (germline): Conflicting classifications of pathogenicity. Review status: criteria provided, conflicting classifications (1 of 4 stars). 6 submissions from 6 submitters: Pathogenic (3); Uncertain significance (1). 2 of the submissions do not count toward it. Last evaluated 2025-11-13.

Conditions:
Hereditary cancer-predisposing syndrome. Also called: Neoplastic Syndromes, Hereditary; Tumor predisposition; Hereditary Cancer Syndrome; Hereditary neoplastic syndrome. Identifiers: Orphanet 140162, MedGen C0027672, MeSH D009386, MONDO:0015356.
Cleft lip with or without cleft palate. Identifiers: Orphanet 1991, MedGen C0810364, MONDO:0016034.
CDH1-related disorder. Also called: CDH1-related condition.
Hereditary diffuse gastric adenocarcinoma (HDGC). Also called: DIFFUSE GASTRIC AND LOBULAR BREAST CANCER SYNDROME. Identifiers: Orphanet 26106, MedGen C1708349, MONDO:0007648, OMIM 137215.

Submissions (6):

Ambry Genetics
Classification: Pathogenic for Hereditary cancer-predisposing syndrome. Last evaluated: 2025-11-13. Review status: criteria provided, single submitter. Criteria: Ambry Variant Classification Scheme 2023. Collection method: clinical testing. Allele origin: germline.
Comment: The p.D254N pathogenic mutation (also known as c.760G>A), located in coding exon 6 of the CDH1 gene, results from a G to A substitution at nucleotide position 760. The aspartic acid at codon 254 is replaced by asparagine, an amino acid with highly similar properties. This variant was reported in individuals with features consistent with CDH1-related blepharocheilodontic syndrome; in at least one individual, the variant was determined to be de novo (Cox LL et al. Am J Hum Genet, 2018 Jun;102:1143-1157, Brito LA et al. Hum Mutat, 2015 Nov;36:1029-33, Kievit A et al. Eur J Hum Genet, 2018 Feb;26:210-219, Bishop MR et al. Am J Hum Genet, 2020 Jul;107:124-136, Bueno TNB et al. Orphanet J Rare Dis, 2025 Aug;20:435, Gossner L et al. Genes (Basel), 2024 Nov;15, Alvizi L et al. Nat Commun, 2023 May;14:2868). This variant segregated with disease in at least one family with features consistent with CDH1-related blepharocheilodontic syndrome (Brito LA et al. Hum Mutat, 2015 Nov;36:1029-33). A review of 27 carriers of this variant showed a strong association with orofacial clefts, but did not identify an association with hereditary diffuse gastric cancer (Gossner L et al. Genes (Basel), 2024 Nov;15). In multiple assays testing CDH1 function, this variant showed functionally abnormal results (Alvizi L et al. Nat Commun, 2023 May;14:2868, Brito LA et al. Hum Mutat, 2015 Nov;36:1029-33, Pereira J et al. Cell Commun Signal, 2024 Feb;22:152). This amino acid position is highly conserved in available vertebrate species. In addition, the in silico prediction for this alteration is inconclusive. This variant is considered to be rare based on population cohorts in the Genome Aggregation Database (gnomAD). Based on the supporting evidence, this alteration is pathogenic for CDH1-related blepharocheilodontic syndrome; however, the association of this alteration with CDH1-related diffuse gastric and lobular breast cancer (DGLBC) is unknown.

Labcorp Genetics (formerly Invitae), Labcorp
Classification: Uncertain significance for Hereditary diffuse gastric adenocarcinoma. Last evaluated: 2025-03-12. Review status: criteria provided, single submitter. Criteria: Invitae Variant Classification Sherloc (09022015). Collection method: clinical testing. Allele origin: germline.
Comment: This sequence change replaces aspartic acid, which is acidic and polar, with asparagine, which is neutral and polar, at codon 254 of the CDH1 protein (p.Asp254Asn). This variant is not present in population databases (gnomAD no frequency). This missense change has been observed in individual(s) with cleft lip/palate or blepharocheilodontic syndrome (PMID: 26123647, 29348693, 29805042, 32574564). ClinVar contains an entry for this variant (Variation ID: 834043). An algorithm developed to predict the effect of missense changes on protein structure and function (PolyPhen-2) suggests that this variant is likely to be disruptive. Experimental studies are conflicting or provide insufficient evidence to determine the effect of this variant on CDH1 function (PMID: 26123647, 29348693). In summary, the available evidence is currently insufficient to determine the role of this variant in disease. Therefore, it has been classified as a Variant of Uncertain Significance.

Blueprint Genetics
Classification: Pathogenic for CDH1-related disorders. Last evaluated: 2024-03-28. Review status: criteria provided, single submitter. Criteria: ACMG Guidelines, 2015. Collection method: clinical testing. Allele origin: germline. Affected: yes. Observed: 2 variant alleles.

Revvity Omics, Revvity
Classification: Pathogenic. Last evaluated: 2019-09-18. Review status: criteria provided, single submitter. Criteria: ACMG Guidelines, 2015. Collection method: clinical testing. Allele origin: germline.

PreventionGenetics, part of Exact Sciences
Classification: Pathogenic for CDH1-related condition. Last evaluated: 2024-03-28. Review status: no assertion criteria provided. Collection method: clinical testing. Allele origin: germline. Not counted in ClinVar's aggregate classification.
Comment: The CDH1 c.760G>A variant is predicted to result in the amino acid substitution p.Asp254Asn. This variant has been reported in multiple individuals with nonsyndromic cleft lip and/or palate (Figure S1, Brito et al. 2015. PubMed ID: 26123647; Table 1, de novo, Cox et al. 2018. PubMed ID: 29805042; Table S3, de novo Bishop et al. 2020. PubMed ID: 32574564; Alvizi et al. 2023. PubMed ID: 37225711), and blepharocheilodontic syndrome (Table 2, Kievit et al. 2018. PubMed ID: 29348693). This variant has segregated within families with incomplete penetrance (Brito et al. 2015. PubMed ID: 26123647; Alvizi et al. 2023. PubMed ID: 37225711; Kievit et al. 2018. PubMed ID: 29348693). This variant has not been reported in a large population database, indicating this variant is rare. An in vivo experimental study in zebrafish suggests this variant affects craniofacial development and an in vitro experimental study suggests that this variant has a dominant negative effect (Figure 3 and 4, Kievit et al. 2018. PubMed ID: 29348693). An alternate nucleotide substitution affecting the same amino acid (p.Asp254Tyr) has been reported in an individual with nonsyndromic cleft lip and/or palate (Figure 1, Pan et al. 2021. PubMed ID: 34592648), and blepharocheilodontic syndrome (Figure 1, Ghoumid et al. 2017. PubMed ID: 28301459). In summary, the c.760G>A (p.Asp254Asn) variant is interpreted as pathogenic.

University of Washington Center for Mendelian Genomics, University of Washington
Classification: Likely pathogenic for Cleft Lip with or without Cleft Palate. Review status: no assertion criteria provided. Collection method: research. Allele origin: de novo. Affected: yes. Not counted in ClinVar's aggregate classification.

Literature cited by the submitters: PubMed 26123647 (cited by Ambry Genetics and Labcorp Genetics (formerly Invitae), Labcorp); PubMed 29348693 (cited by Ambry Genetics and Labcorp Genetics (formerly Invitae), Labcorp); PubMed 29805042 (cited by 3 submitters); PubMed 32574564 (cited by Ambry Genetics and Labcorp Genetics (formerly Invitae), Labcorp); PubMed 37225711 (cited by Ambry Genetics); PubMed 38414029 (cited by Ambry Genetics); PubMed 39596675 (cited by Ambry Genetics); PubMed 40819054 (cited by Ambry Genetics).

NM_004360.5(CDH1):c.760G>A (p.Asp254Asn)

Gene: CDH1 (cadherin 1; plus strand). Cytogenetic location: 16q22.1.
Variant type: single nucleotide variant.
Coding change: c.760G>A on transcript NM_004360.5 (MANE Select); coding-DNA position 760, G replaced by A.
Protein change: p.Asp254Asn; replaces aspartic acid 254 with asparagine.
Molecular consequence: missense variant. On other transcripts: 5 prime UTR variant (2).
Genome position (GRCh38, 1-based): chr16:68,810,269, G>A. VCF-style: chr16-68810269-G-A. GRCh37 (hg19) VCF-style: chr16-68844172-G-A.
Other names: c.760G>A, p.Asp254Asn (NM_001317184.2); c.-856G>A (NM_001317185.2); c.-1060G>A (NM_001317186.2); c.760G>A (NM_004360.4); short protein forms D254N.
Identifiers: ClinVar variation 834043 (VCV000834043.16), dbSNP rs1555515445, ClinGen allele CA396458610.